The following is an entry in ClinVar:

NM_016032.4(ZDHHC9):c.160G>A (p.Ala54Thr)

Gene: ZDHHC9 (zDHHC palmitoyltransferase 9; minus strand). Cytogenetic location: Xq26.1.
Variant type: single nucleotide variant.
Coding change: c.160G>A on transcript NM_016032.4 (MANE Select); coding-DNA position 160, G replaced by A.
Protein change: p.Ala54Thr; replaces alanine 54 with threonine.
Molecular consequence: missense variant.
Genome position (GRCh38, 1-based): chrX:129,841,786, C>T on the plus strand (G>A on the coding strand, the complement: ZDHHC9 is on the minus strand). VCF-style: chrX-129841786-C-T. GRCh37 (hg19) VCF-style: chrX-128975762-C-T.
Other names: c.160G>A, p.Ala54Thr (NM_001008222.3); short protein forms A54T.
Identifiers: ClinVar variation 965153 (VCV000965153.12), dbSNP rs1003990057, ClinGen allele CA335717932.
Genomic context (GRCh38, chrX:129,841,786, plus strand): 5'-CCCCTGGACCCAAAGTAACCATAATCAGGTAACTCTACTCAACCGAAACTCACTCAAAGG[C>T]GAAGAAGAGTGTACATGTCCCCAGGATGAGGAAAAGGGTCAGGTAGAAAATGCCCTTTTG-3'
Protein context (NP_057116.2, residues 44-64): LILGTCTLFF[Ala54Thr]FECRYLAVQL

ClinVar aggregate classification (germline): Conflicting classifications of pathogenicity. Review status: criteria provided, conflicting classifications (1 of 4 stars). 3 submissions from 3 submitters: Uncertain significance (2); Likely benign (1). Last evaluated 2025-12-04.

Conditions:
Intellectual developmental disorder, X-linked, syndromic, Raymond type. Also called: Syndromic X-linked intellectual disability Raymond type. Identifiers: MedGen C3275406, MONDO:0010427, OMIM 300799.

Allele frequency attached by ClinVar (database versions not stated): gnomAD 0.00002; TOPMed 0.00001; gnomAD exomes 0.00002.
gnomAD v4.1: 7 of 1,209,650 alleles (0.00058%); highest among the groups gnomAD compares: Admixed American, 0.0044%; no homozygotes.

Submissions (3):

Women's Health and Genetics/Laboratory Corporation of America, LabCorp
Classification: Uncertain significance. Last evaluated: 2025-12-04. Review status: criteria provided, single submitter. Criteria: LabCorp Variant Classification Summary - May 2015. Collection method: clinical testing. Allele origin: germline.
Comment: Variant summary: ZDHHC9 c.160G>A (p.Ala54Thr) results in a non-conservative amino acid change in the encoded protein sequence. Algorithms developed to predict the effect of missense changes on protein structure and function are either unavailable or do not agree on the potential impact of this missense change. The variant allele was found at a frequency of 2.2e-05 in 182009 control chromosomes. The available data on variant occurrences in the general population are insufficient to allow any conclusion about variant significance. To our knowledge, no occurrence of c.160G>A in individuals affected with ZDHHC9-related conditions and no experimental evidence demonstrating its impact on protein function have been reported. ClinVar contains an entry for this variant (Variation ID: 965153). Based on the evidence outlined above, the variant was classified as uncertain significance.

Labcorp Genetics (formerly Invitae), Labcorp
Classification: Uncertain significance for Intellectual developmental disorder, X-linked, syndromic, Raymond type. Last evaluated: 2025-07-06. Review status: criteria provided, single submitter. Criteria: Invitae Variant Classification Sherloc (09022015). Collection method: clinical testing. Allele origin: germline.
Comment: This sequence change replaces alanine, which is neutral and non-polar, with threonine, which is neutral and polar, at codon 54 of the ZDHHC9 protein (p.Ala54Thr). This variant is present in population databases (no rsID available, gnomAD 0.008%), including at least one homozygous and/or hemizygous individual. This variant has not been reported in the literature in individuals affected with ZDHHC9-related conditions. ClinVar contains an entry for this variant (Variation ID: 965153). Invitae Evidence Modeling of protein sequence and biophysical properties (such as structural, functional, and spatial information, amino acid conservation, physicochemical variation, residue mobility, and thermodynamic stability) indicates that this missense variant is not expected to disrupt ZDHHC9 protein function with a negative predictive value of 80%. In summary, the available evidence is currently insufficient to determine the role of this variant in disease. Therefore, it has been classified as a Variant of Uncertain Significance.

Blueprint Genetics
Classification: Likely benign. Last evaluated: 2023-04-21. Review status: criteria provided, single submitter. Criteria: ACMG Guidelines, 2015. Collection method: clinical testing. Allele origin: germline.